The following is an entry in ClinVar:

ClinVar aggregate classification (germline): Uncertain significance (1 of 4 stars; one submission).

Conditions:
Congenital contractural arachnodactyly (CCA). Also called: BEALS SYNDROME; Arthrogryposis, distal, type 9; Beals-Hecht syndrome. Identifiers: Orphanet 115, MedGen C0220668, MONDO:0007363, OMIM 121050.
Familial thoracic aortic aneurysm and aortic dissection (TAAD). Also called: Thoracic aortic aneurysms and dissections. Identifiers: Orphanet 91387, MedGen C4707243, MONDO:0019625.

gnomAD v4.1: 1 of 1,613,886 alleles (0.000062%); highest among the groups gnomAD compares: Non-Finnish European, 0.000085%; no homozygotes.

Submission:

Labcorp Genetics (formerly Invitae), Labcorp
Classification: Uncertain significance for Congenital contractural arachnodactyly. Last evaluated: 2024-07-27. Review status: criteria provided, single submitter. Criteria: Invitae Variant Classification Sherloc (09022015). Collection method: clinical testing. Allele origin: germline.
Comment: This sequence change replaces asparagine, which is neutral and polar, with serine, which is neutral and polar, at codon 854 of the FBN2 protein (p.Asn854Ser). This variant is not present in population databases (gnomAD no frequency). This variant has not been reported in the literature in individuals affected with FBN2-related conditions. Advanced modeling of protein sequence and biophysical properties (such as structural, functional, and spatial information, amino acid conservation, physicochemical variation, residue mobility, and thermodynamic stability) has been performed at Invitae for this missense variant, however the output from this modeling did not meet the statistical confidence thresholds required to predict the impact of this variant on FBN2 protein function. In summary, the available evidence is currently insufficient to determine the role of this variant in disease. Therefore, it has been classified as a Variant of Uncertain Significance.

NM_001999.4(FBN2):c.2561A>G (p.Asn854Ser)

Gene: FBN2 (fibrillin 2; minus strand). Cytogenetic location: 5q23.3.
Variant type: single nucleotide variant.
Coding change: c.2561A>G on transcript NM_001999.4 (MANE Select); coding-DNA position 2561, A replaced by G.
Protein change: p.Asn854Ser; replaces asparagine 854 with serine.
Molecular consequence: missense variant.
Genome position (GRCh38, 1-based): chr5:128,357,389, T>C on the plus strand (A>G on the coding strand, the complement: FBN2 is on the minus strand). VCF-style: chr5-128357389-T-C. GRCh37 (hg19) VCF-style: chr5-127693081-T-C.
Other names: c.2561A>G (NM_001999.3); short protein forms N854S.
Identifiers: ClinVar variation 3705676 (VCV003705676.3).